The following is an entry in ClinVar:

ClinVar aggregate classification (germline): Uncertain significance (1 of 4 stars; one submission).

Conditions:
Tatton-Brown-Rahman overgrowth syndrome. Also called: Tatton-Brown-Rahman syndrome; Tall stature-intellectual disability-facial dysmorphism syndrome. Identifiers: Orphanet 404443, MedGen C4014545, MONDO:0014382, OMIM 615879.

Allele frequency attached by ClinVar (database versions not stated): TOPMed 0.00001.
gnomAD v4.1: 10 of 1,614,012 alleles (0.00062%); highest among the groups gnomAD compares: South Asian, 0.0011%; no homozygotes.

Submission:

Labcorp Genetics (formerly Invitae), Labcorp
Classification: Uncertain significance for Tatton-Brown-Rahman overgrowth syndrome. Last evaluated: 2023-08-24. Review status: criteria provided, single submitter. Criteria: Invitae Variant Classification Sherloc (09022015). Collection method: clinical testing. Allele origin: germline.
Comment: In summary, the available evidence is currently insufficient to determine the role of this variant in disease. Therefore, it has been classified as a Variant of Uncertain Significance. Advanced modeling of protein sequence and biophysical properties (such as structural, functional, and spatial information, amino acid conservation, physicochemical variation, residue mobility, and thermodynamic stability) performed at Invitae indicates that this missense variant is not expected to disrupt DNMT3A protein function. This variant has not been reported in the literature in individuals affected with DNMT3A-related conditions. This variant is present in population databases (no rsID available, gnomAD 0.0009%). This sequence change replaces glycine, which is neutral and non-polar, with serine, which is neutral and polar, at codon 334 of the DNMT3A protein (p.Gly334Ser).

NM_022552.5(DNMT3A):c.1000G>A (p.Gly334Ser)

Gene: DNMT3A (DNA methyltransferase 3 alpha; minus strand). Cytogenetic location: 2p23.3.
Variant type: single nucleotide variant.
Coding change: c.1000G>A on transcript NM_022552.5 (MANE Select); coding-DNA position 1000, G replaced by A.
Protein change: p.Gly334Ser; replaces glycine 334 with serine.
Molecular consequence: missense variant. On other transcripts: non-coding transcript variant (1).
Genome position (GRCh38, 1-based): chr2:25,247,605, C>T on the plus strand (G>A on the coding strand, the complement: DNMT3A is on the minus strand). VCF-style: chr2-25247605-C-T. GRCh37 (hg19) VCF-style: chr2-25470474-C-T.
Other names: c.544G>A, p.Gly182Ser (NM_001320893.1); c.331G>A, p.Gly111Ser (NM_001375819.1); c.433G>A, p.Gly145Ser (NM_153759.3); c.1000G>A, p.Gly334Ser (NM_175629.2); short protein forms G111S, G145S, G182S, G334S.
Identifiers: ClinVar variation 3021198 (VCV003021198.3), dbSNP rs1024296111, ClinGen allele CA43706357.
Genomic context (GRCh38, chr2:25,247,605, plus strand): 5'-AAGAACCTTCCCCCACCCCAGGCTACTGCCAAACCCCACAACTTACCACTGAGAATTTGC[C>T]GTCTCCGAACCACATGACCCAGCGGGTGCCTTCAGCTGCTCGGCTCCGGCCCGTCATCCA-3'
Protein context (NP_072046.2, residues 324-344): GTRWVMWFGD[Gly334Ser]KFSVVCVEKL